The following is an entry in ClinVar:

ClinVar aggregate classification (germline): Uncertain significance. Review status: criteria provided, multiple submitters, no conflicts (2 of 4 stars). 2 submissions from 2 submitters: Uncertain significance (2). Last evaluated 2025-03-12.

Conditions:
Inborn genetic diseases. Identifiers: MedGen C0950123, MeSH D030342.
Spastic paraplegia. Identifiers: MedGen C0037772, HP:0001258.

Submissions (2):

Labcorp Genetics (formerly Invitae), Labcorp
Classification: Uncertain significance for Spastic paraplegia. Last evaluated: 2025-03-12. Review status: criteria provided, single submitter. Criteria: Invitae Variant Classification Sherloc (09022015). Collection method: clinical testing. Allele origin: germline.
Comment: This sequence change replaces arginine, which is basic and polar, with tryptophan, which is neutral and slightly polar, at codon 976 of the L1CAM protein (p.Arg976Trp). This variant is not present in population databases (gnomAD no frequency). This variant has not been reported in the literature in individuals affected with L1CAM-related conditions. Invitae Evidence Modeling of protein sequence and biophysical properties (such as structural, functional, and spatial information, amino acid conservation, physicochemical variation, residue mobility, and thermodynamic stability) indicates that this missense variant is not expected to disrupt L1CAM protein function with a negative predictive value of 95%. In summary, the available evidence is currently insufficient to determine the role of this variant in disease. Therefore, it has been classified as a Variant of Uncertain Significance.

Ambry Genetics
Classification: Uncertain significance for Inborn genetic diseases. Last evaluated: 2025-01-17. Review status: criteria provided, single submitter. Criteria: Ambry Variant Classification Scheme 2023. Collection method: clinical testing. Allele origin: germline.

NM_001278116.2(L1CAM):c.2926C>T (p.Arg976Trp)

Gene: L1CAM (L1 cell adhesion molecule; minus strand). Cytogenetic location: Xq28.
Variant type: single nucleotide variant.
Coding change: c.2926C>T on transcript NM_001278116.2 (MANE Select); coding-DNA position 2926, C replaced by T.
Protein change: p.Arg976Trp; replaces arginine 976 with tryptophan.
Molecular consequence: missense variant.
Genome position (GRCh38, 1-based): chrX:153,864,941, G>A on the plus strand (C>T on the coding strand, the complement: L1CAM is on the minus strand). VCF-style: chrX-153864941-G-A. GRCh37 (hg19) VCF-style: chrX-153130396-G-A.
Other names: c.2926C>T, p.Arg976Trp (NM_000425.5, NM_024003.3); c.2911C>T, p.Arg971Trp (NM_001143963.2); short protein forms R971W, R976W.
Identifiers: ClinVar variation 3866040 (VCV003866040.2).
Genomic context (GRCh38, chrX:153,864,941, plus strand): 5'-TGGCCTGAAGCTGGAAGCGGTACCGCAGGTGGGGGCTGAGATCGGTCAGGTTGTGTGTCC[G>A]AAGTTCGGGGTCCCGAAGGTTGAAGGACAGTTGCCCCTTGCCCCCCTCATCCACTGTGGG-3'
Protein context (NP_001265045.1, residues 966-986): LSFNLRDPEL[Arg976Trp]THNLTDLSPH